The following is an entry in ClinVar:

ClinVar aggregate classification (germline): Uncertain significance (1 of 4 stars; one submission).

Conditions:
BAP1-related tumor predisposition syndrome (TPDS1). Also called: Tumor susceptibility linked to germline BAP1 mutations; TUMOR PREDISPOSITION SYNDROME 1; BAP1 tumor predisposition syndrome; COMMON Syndrome. Identifiers: Orphanet 289539, MedGen C3280492, MONDO:0013692, OMIM 614327.

Submission:

Labcorp Genetics (formerly Invitae), Labcorp
Classification: Uncertain significance for BAP1-related tumor predisposition syndrome. Last evaluated: 2024-04-15. Review status: criteria provided, single submitter. Criteria: Invitae Variant Classification Sherloc (09022015). Collection method: clinical testing. Allele origin: germline.
Comment: This sequence change replaces threonine, which is neutral and polar, with asparagine, which is neutral and polar, at codon 677 of the BAP1 protein (p.Thr677Asn). This variant is not present in population databases (gnomAD no frequency). This variant has not been reported in the literature in individuals affected with BAP1-related conditions. ClinVar contains an entry for this variant (Variation ID: 1462837). Advanced modeling of protein sequence and biophysical properties (such as structural, functional, and spatial information, amino acid conservation, physicochemical variation, residue mobility, and thermodynamic stability) performed at Invitae indicates that this missense variant is expected to disrupt BAP1 protein function with a positive predictive value of 80%. In summary, the available evidence is currently insufficient to determine the role of this variant in disease. Therefore, it has been classified as a Variant of Uncertain Significance.

NM_004656.4(BAP1):c.2030C>A (p.Thr677Asn)

Gene: BAP1 (BRCA1 associated deubiquitinase 1; minus strand). Cytogenetic location: 3p21.1.
Variant type: single nucleotide variant.
Coding change: c.2030C>A on transcript NM_004656.4 (MANE Select); coding-DNA position 2030, C replaced by A.
Protein change: p.Thr677Asn; replaces threonine 677 with asparagine.
Molecular consequence: missense variant.
Genome position (GRCh38, 1-based): chr3:52,402,628, G>T on the plus strand (C>A on the coding strand, the complement: BAP1 is on the minus strand). VCF-style: chr3-52402628-G-T. GRCh37 (hg19) VCF-style: chr3-52436644-G-T.
Other names: short protein forms T677N.
Identifiers: ClinVar variation 1462837 (VCV001462837.8), dbSNP rs2153226192, ClinGen allele CA353096215.
Genomic context (GRCh38, chr3:52,402,628, plus strand): 5'-GCATTCCAGTTAAGACAGCAGCGCATCCCCTCACCTTCCTGAGCCAGCATGGAGATAAAG[G>T]TGCAGATGAACTCATCGTAGTTGTGGGTCCTTCTCTGGTCATCAATCTGTAGGAGAGAAG-3'
Protein context (NP_004647.1, residues 667-687): RTHNYDEFIC[Thr677Asn]FISMLAQEGM